The following is an entry in ClinVar:

NM_005918.4(MDH2):c.974C>T (p.Ala325Val)

Gene: MDH2 (malate dehydrogenase 2; plus strand). Cytogenetic location: 7q11.23.
Variant type: single nucleotide variant.
Coding change: c.974C>T on transcript NM_005918.4 (MANE Select); coding-DNA position 974, C replaced by T.
Protein change: p.Ala325Val; replaces alanine 325 with valine.
Molecular consequence: missense variant.
Genome position (GRCh38, 1-based): chr7:76,066,367, C>T. VCF-style: chr7-76066367-C-T. GRCh37 (hg19) VCF-style: chr7-75695685-C-T.
Other names: c.848C>T, p.Ala283Val (NM_001282403.2); c.653C>T, p.Ala218Val (NM_001282404.2); short protein forms A325V, A283V, A218V.
Identifiers: ClinVar variation 1768069 (VCV001768069.5), dbSNP rs2535875823, ClinGen allele CA367770102.

ClinVar aggregate classification (germline): Uncertain significance. Review status: criteria provided, multiple submitters, no conflicts (2 of 4 stars). 2 submissions from 2 submitters: Uncertain significance (2). Last evaluated 2023-08-04.

Conditions:
Inborn genetic diseases. Identifiers: MedGen C0950123, MeSH D030342.

Allele frequency attached by ClinVar (database versions not stated): gnomAD exomes below 0.00001.
gnomAD v4.1: 1 of 1,610,038 alleles (0.000062%); highest among the groups gnomAD compares: Non-Finnish European, 0.000085%; no homozygotes.

Submissions (2):

Labcorp Genetics (formerly Invitae), Labcorp
Classification: Uncertain significance. Last evaluated: 2023-08-04. Review status: criteria provided, single submitter. Criteria: Invitae Variant Classification Sherloc (09022015). Collection method: clinical testing. Allele origin: germline.
Comment: In summary, the available evidence is currently insufficient to determine the role of this variant in disease. Therefore, it has been classified as a Variant of Uncertain Significance. Advanced modeling of protein sequence and biophysical properties (such as structural, functional, and spatial information, amino acid conservation, physicochemical variation, residue mobility, and thermodynamic stability) performed at Invitae indicates that this missense variant is not expected to disrupt MDH2 protein function. ClinVar contains an entry for this variant (Variation ID: 1768069). This variant has not been reported in the literature in individuals affected with MDH2-related conditions. This variant is not present in population databases (gnomAD no frequency). This sequence change replaces alanine, which is neutral and non-polar, with valine, which is neutral and non-polar, at codon 325 of the MDH2 protein (p.Ala325Val).

Ambry Genetics
Classification: Uncertain significance for Inborn genetic diseases. Last evaluated: 2022-10-27. Review status: criteria provided, single submitter. Criteria: Ambry Variant Classification Scheme 2023. Collection method: clinical testing. Allele origin: germline.
Comment: The p.A325V variant (also known as c.974C>T), located in coding exon 9 of the MDH2 gene, results from a C to T substitution at nucleotide position 974. The alanine at codon 325 is replaced by valine, an amino acid with similar properties. This amino acid position is conserved. In addition, this alteration is predicted to be tolerated by in silico analysis. Since supporting evidence is limited at this time, the clinical significance of this alteration remains unclear.